The following is an entry in ClinVar:

ClinVar aggregate classification (germline): Uncertain significance. Review status: criteria provided, multiple submitters, no conflicts (2 of 4 stars). 2 submissions from 2 submitters: Uncertain significance (2). Last evaluated 2025-01-29.

Conditions:
Inborn genetic diseases. Identifiers: MedGen C0950123, MeSH D030342.

Allele frequency attached by ClinVar (database versions not stated): gnomAD 0.00001; gnomAD exomes 0.00001; TOPMed 0.00001; ExAC 0.00002.
gnomAD v4.1: 17 of 1,605,016 alleles (0.0011%); highest among the groups gnomAD compares: East Asian, 0.0022%; no homozygotes.

Submissions (2):

Ambry Genetics
Classification: Uncertain significance for Inborn genetic diseases. Last evaluated: 2025-01-29. Review status: criteria provided, single submitter. Criteria: Ambry Variant Classification Scheme 2023. Collection method: clinical testing. Allele origin: germline.

Labcorp Genetics (formerly Invitae), Labcorp
Classification: Uncertain significance. Last evaluated: 2024-03-09. Review status: criteria provided, single submitter. Criteria: Invitae Variant Classification Sherloc (09022015). Collection method: clinical testing. Allele origin: germline.
Comment: This sequence change replaces glycine, which is neutral and non-polar, with arginine, which is basic and polar, at codon 741 of the NALCN protein (p.Gly741Arg). This variant is present in population databases (rs771990457, gnomAD 0.004%). This variant has not been reported in the literature in individuals affected with NALCN-related conditions. Advanced modeling of protein sequence and biophysical properties (such as structural, functional, and spatial information, amino acid conservation, physicochemical variation, residue mobility, and thermodynamic stability) performed at Invitae indicates that this missense variant is not expected to disrupt NALCN protein function with a negative predictive value of 80%. In summary, the available evidence is currently insufficient to determine the role of this variant in disease. Therefore, it has been classified as a Variant of Uncertain Significance.

NM_052867.4(NALCN):c.2221G>A (p.Gly741Arg)

Gene: NALCN (sodium leak channel, non-selective; minus strand). Cytogenetic location: 13q33.1.
Variant type: single nucleotide variant.
Coding change: c.2221G>A on transcript NM_052867.4 (MANE Select); coding-DNA position 2221, G replaced by A.
Protein change: p.Gly741Arg; replaces glycine 741 with arginine.
Molecular consequence: missense variant.
Genome position (GRCh38, 1-based): chr13:101,111,198, C>T on the plus strand (G>A on the coding strand, the complement: NALCN is on the minus strand). VCF-style: chr13-101111198-C-T. GRCh37 (hg19) VCF-style: chr13-101763549-C-T.
Other names: c.2308G>A, p.Gly770Arg (NM_001350748.2); c.2221G>A, p.Gly741Arg (NM_001350749.2); c.2134G>A, p.Gly712Arg (NM_001350750.2, NM_001350751.2); c.2221G>A (NM_052867.2); short protein forms G712R, G741R, G770R.
Identifiers: ClinVar variation 2913364 (VCV002913364.4), dbSNP rs771990457, ClinGen allele CA7035783.